The following is an entry in ClinVar:

ClinVar aggregate classification (germline): Pathogenic (1 of 4 stars; one submission).

Conditions:
Immunodeficiency, common variable, 7. Identifiers: Orphanet 1572, Orphanet 696894, MedGen C3542922, MONDO:0013862, OMIM 614699.

Submission:

Labcorp Genetics (formerly Invitae), Labcorp
Classification: Pathogenic for Immunodeficiency, common variable, 7. Last evaluated: 2022-09-26. Review status: criteria provided, single submitter. Criteria: Invitae Variant Classification Sherloc (09022015). Collection method: clinical testing. Allele origin: germline.
Comment: For these reasons, this variant has been classified as Pathogenic. ClinVar contains an entry for this variant (Variation ID: 638835). This variant has not been reported in the literature in individuals affected with CR2-related conditions. This variant is not present in population databases (gnomAD no frequency). This sequence change creates a premature translational stop signal (p.Gln1071*) in the CR2 gene. It is expected to result in an absent or disrupted protein product. Loss-of-function variants in CR2 are known to be pathogenic (PMID: 26325596, 28499783).

Literature cited by the submitters: PubMed 26325596; PubMed 28499783.

NM_001006658.3(CR2):c.3211C>T (p.Gln1071Ter)

Gene: CR2 (complement C3d receptor 2; plus strand). Cytogenetic location: 1q32.2.
Variant type: single nucleotide variant.
Coding change: c.3211C>T on transcript NM_001006658.3 (MANE Select); coding-DNA position 3211, C replaced by T.
Protein change: p.Gln1071Ter; replaces glutamine 1071 with a stop codon.
Molecular consequence: nonsense.
Genome position (GRCh38, 1-based): chr1:207,485,486, C>T. VCF-style: chr1-207485486-C-T. GRCh37 (hg19) VCF-style: chr1-207658831-C-T.
Other names: c.3034C>T, p.Gln1012Ter (NM_001877.5); short protein forms Q1071*, Q1012*.
Identifiers: ClinVar variation 638835 (VCV000638835.6), dbSNP rs369363360, ClinGen allele CA344542998.